The following is an entry in ClinVar:

ClinVar aggregate classification (germline): Benign/Likely benign. Review status: criteria provided, multiple submitters, no conflicts (2 of 4 stars). 5 submissions from 3 submitters: Benign (1); Likely benign (4). Last evaluated 2026-01-28.

Conditions:
Factor V deficiency. Also called: Reduced coagulation factor V activity. Identifiers: Orphanet 326, MedGen C4317320, MONDO:0020586, HP:0003225.
Thrombophilia due to thrombin defect (THPH1). Also called: Thrombosis susceptibility; THROMBOPHILIA DUE TO FACTOR 2 DEFECT; Prothrombin-Related Thrombophilia (Factor II); Prothrombin Thrombophilia. Identifiers: MedGen C3160733, MONDO:0008559, OMIM 188050. Disease mechanism: gain of function, loss of function.
Budd-Chiari syndrome (BDCHS). Also called: Hepatic vein obstruction. Identifiers: Orphanet 131, MedGen C0856761, MONDO:0010947, OMIM 600880, HP:0002639.
Congenital factor V deficiency. Also called: Hereditary factor V deficiency disease; LABILE FACTOR DEFICIENCY; PARAHEMOPHILIA; OWREN PARAHEMOPHILIA. Identifiers: Orphanet 326, MedGen C0015499, MONDO:0009210, OMIM 227400.

Allele frequency attached by ClinVar (database versions not stated): gnomAD exomes 0.00205 and 0.00583; ExAC 0.00730; gnomAD 0.02195 and 0.02373; 1000 Genomes Project 0.02236; ESP Exome Variant Server 0.02430; TOPMed 0.02560; 1000 Genomes Project 30x 0.02608.
gnomAD v4.1: 6,481 of 1,614,112 alleles (0.4%); highest among the groups gnomAD compares: African/African-American, 7.5%; 232 homozygotes.

Submissions (5):

Labcorp Genetics (formerly Invitae), Labcorp
Classification: Benign for Congenital factor V deficiency. Last evaluated: 2026-01-28. Review status: criteria provided, single submitter. Criteria: Invitae Variant Classification Sherloc (09022015). Collection method: clinical testing. Allele origin: germline.

Illumina Laboratory Services, Illumina
Classification: Likely benign for Congenital factor V deficiency. Last evaluated: 2017-04-27. Review status: criteria provided, single submitter. Criteria: ICSL Variant Classification Criteria 13 December 2019. Collection method: clinical testing. Allele origin: germline.
Comment: This variant was observed as part of a predisposition screen in an ostensibly healthy population. A literature search was performed for the gene, cDNA change, and amino acid change (where applicable). No publications were found based on this search. Allele frequency data from public databases allowed determination this variant is unlikely to cause disease. Therefore, this variant is classified as likely benign.

Illumina Laboratory Services, Illumina
Classification: Likely benign for Venous thrombosis. Last evaluated: 2017-04-27. Review status: criteria provided, single submitter. Criteria: ICSL Variant Classification Criteria 13 December 2019. Collection method: clinical testing. Allele origin: germline.
Comment: the same text as in the submission from Illumina Laboratory Services, Illumina above.

Illumina Laboratory Services, Illumina
Classification: Likely benign for Budd-Chiari syndrome. Last evaluated: 2017-04-27. Review status: criteria provided, single submitter. Criteria: ICSL Variant Classification Criteria 13 December 2019. Collection method: clinical testing. Allele origin: germline.
Comment: the same text as in the submission from Illumina Laboratory Services, Illumina above.

Breakthrough Genomics
Classification: Likely benign. Review status: criteria provided, single submitter. Criteria: ACMG Guidelines, 2015. Collection method: not provided. Allele origin: germline. Inheritance: Autosomal recessive inheritance. Affected: yes.

NM_000130.5(F5):c.3438C>G (p.His1146Gln)

Gene: F5 (coagulation factor V; minus strand). Cytogenetic location: 1q24.2.
Variant type: single nucleotide variant.
Coding change: c.3438C>G on transcript NM_000130.5 (MANE Select); coding-DNA position 3438, C replaced by G.
Protein change: p.His1146Gln; replaces histidine 1146 with glutamine.
Molecular consequence: missense variant.
Genome position (GRCh38, 1-based): chr1:169,541,652, G>C on the plus strand (C>G on the coding strand, the complement: F5 is on the minus strand). VCF-style: chr1-169541652-G-C. GRCh37 (hg19) VCF-style: chr1-169510890-G-C.
Other names: short protein forms H1146Q.
Identifiers: ClinVar variation 293608 (VCV000293608.14), dbSNP rs6005, ClinGen allele CA1233910.